The following is an entry in ClinVar:

ClinVar aggregate classification (germline): Benign/Likely benign. Review status: criteria provided, multiple submitters, no conflicts (2 of 4 stars). 8 submissions from 7 submitters: Benign (4); Likely benign (4). Last evaluated 2026-02-04.

Conditions:
Brain small vessel disease 1 with or without ocular anomalies (BSVD1). Also called: BRAIN SMALL VESSEL DISEASE WITH HEMORRHAGE; GOULD SYNDROME 1; PORENCEPHALY, TYPE 1, AUTOSOMAL DOMINANT; Brain small vessel disease with or without ocular anomalies. Identifiers: Orphanet 2940, Orphanet 36383, Orphanet 99810, MedGen C4755307, MONDO:0008289, OMIM 175780.
Autosomal dominant familial hematuria-retinal arteriolar tortuosity-contractures syndrome. Also called: Angiopathy, hereditary, with nephropathy, aneurysms, and muscle cramps; Hereditary Angiopathy with Nephropathy, Aneurysms, and Muscle Cramps (HANAC) Syndrome. Identifiers: Orphanet 73229, MedGen C2673195, MONDO:0012726, OMIM 611773.
Microangiopathy and leukoencephalopathy, pontine, autosomal dominant. Also called: DEMENTIA, HEREDITARY MULTI-INFARCT, SWEDISH TYPE; Pontine autosomal dominant microangiopathy with leukoencephalopathy. Identifiers: Orphanet 477749, MedGen C5231411, MONDO:0032814, OMIM 618564.
Retinal arterial tortuosity. Also called: RETINAL HEMORRHAGE WITH VASCULAR TORTUOSITY; Retinal arteries, tortuosity of. Identifiers: Orphanet 75326, MedGen C0423401, MONDO:0008373, OMIM 180000, HP:0000631.
Hemorrhage, intracerebral, susceptibility to (ICH). Also called: Stroke, hemorrhagic, susceptibility to. Identifiers: MedGen C3281105, MONDO:0100533, OMIM 614519.

Allele frequency attached by ClinVar (database versions not stated): gnomAD exomes 0.00040 and 0.00117; ExAC 0.00155; 1000 Genomes Project 0.00379; gnomAD 0.00454 and 0.00488; ESP Exome Variant Server 0.00492; 1000 Genomes Project 30x 0.00531; TOPMed 0.00558.

Submissions (8):

Labcorp Genetics (formerly Invitae), Labcorp
Classification: Benign. Last evaluated: 2026-02-04. Review status: criteria provided, single submitter. Criteria: Invitae Variant Classification Sherloc (09022015). Collection method: clinical testing. Allele origin: germline.

Mayo Clinic Laboratories, Mayo Clinic
Classification: Benign. Last evaluated: 2024-06-14. Review status: criteria provided, single submitter. Criteria: ACMG Guidelines, 2015. Collection method: clinical testing. Allele origin: germline. Observed: 5 variant alleles.
Comment: BS1, BS2, BP4, BP7

Fulgent Genetics
Classification: Likely benign for Brain small vessel disease 1 with or without ocular anomalies; Retinal arterial tortuosity; Autosomal dominant familial hematuria-retinal arteriolar tortuosity-contractures syndrome; Hemorrhage, intracerebral, susceptibility to; Microangiopathy and leukoencephalopathy, pontine, autosomal dominant. Last evaluated: 2021-08-06. Review status: criteria provided, single submitter. Criteria: ACMG Guidelines, 2015. Collection method: clinical testing. Allele origin: unknown.

GeneDx
Classification: Likely benign. Last evaluated: 2018-09-18. Review status: criteria provided, single submitter. Criteria: GeneDx Variant Classification Process June 2021. Collection method: clinical testing. Allele origin: germline. Affected: yes.

Illumina Laboratory Services, Illumina
Classification: Benign for Autosomal dominant familial hematuria-retinal arteriolar tortuosity-contractures syndrome. Last evaluated: 2018-01-13. Review status: criteria provided, single submitter. Criteria: ICSL Variant Classification Criteria 13 December 2019. Collection method: clinical testing. Allele origin: germline.
Comment: This variant was observed in the ICSL laboratory as part of a predisposition screen in an ostensibly healthy population. It had not been previously curated by ICSL or reported in the Human Gene Mutation Database (HGMD: prior to June 1st, 2018), and was therefore a candidate for classification through an automated scoring system. Utilizing variant allele frequency, disease prevalence and penetrance estimates, and inheritance mode, an automated score was calculated to assess if this variant is too frequent to cause the disease. Based on the score and internal cut-off values, a variant classified as benign is not then subjected to further curation. The score for this variant resulted in a classification of benign for this disease.

Illumina Laboratory Services, Illumina
Classification: Benign for Brain small vessel disease 1 with or without ocular anomalies. Last evaluated: 2018-01-13. Review status: criteria provided, single submitter. Criteria: ICSL Variant Classification Criteria 13 December 2019. Collection method: clinical testing. Allele origin: germline.
Comment: the same text as in the submission from Illumina Laboratory Services, Illumina above.

Center for Pediatric Genomic Medicine, Children's Mercy Hospital and Clinics
Classification: Likely benign. Last evaluated: 2017-06-12. Review status: criteria provided, single submitter. Criteria: ACMG Guidelines, 2015. Collection method: clinical testing. Allele origin: germline.

Breakthrough Genomics
Classification: Likely benign. Review status: criteria provided, single submitter. Criteria: ACMG Guidelines, 2015. Collection method: not provided. Allele origin: germline. Inheritance: Autosomal dominant inheritance. Affected: yes.

NM_001845.6(COL4A1):c.3949+10C>T

Gene: COL4A1 (collagen type IV alpha 1 chain; minus strand). Cytogenetic location: 13q34.
Variant type: single nucleotide variant.
Coding change: c.3949+10C>T on transcript NM_001845.6 (MANE Select); 10 bases into the intron after coding-DNA position 3949, C replaced by T.
Molecular consequence: intron variant.
Genome position (GRCh38, 1-based): chr13:110,167,148, G>A on the plus strand (C>T on the coding strand, the complement: COL4A1 is on the minus strand). VCF-style: chr13-110167148-G-A. GRCh37 (hg19) VCF-style: chr13-110819495-G-A.
Other names: p.?.
Identifiers: ClinVar variation 311033 (VCV000311033.24), dbSNP rs188122235, ClinGen allele CA7047094.